The following is an entry in ClinVar:

ClinVar aggregate classification (germline): Uncertain significance (1 of 4 stars; one submission).

Submission:

Labcorp Genetics (formerly Invitae), Labcorp
Classification: Uncertain significance. Last evaluated: 2022-10-11. Review status: criteria provided, single submitter. Criteria: Invitae Variant Classification Sherloc (09022015). Collection method: clinical testing. Allele origin: germline.
Comment: In summary, the available evidence is currently insufficient to determine the role of this variant in disease. Therefore, it has been classified as a Variant of Uncertain Significance. Advanced modeling of protein sequence and biophysical properties (such as structural, functional, and spatial information, amino acid conservation, physicochemical variation, residue mobility, and thermodynamic stability) performed at Invitae indicates that this missense variant is not expected to disrupt SAMD9L protein function. This variant has not been reported in the literature in individuals affected with SAMD9L-related conditions. This variant is not present in population databases (gnomAD no frequency). This sequence change replaces aspartic acid, which is acidic and polar, with glycine, which is neutral and non-polar, at codon 1498 of the SAMD9L protein (p.Asp1498Gly).

NM_152703.5(SAMD9L):c.4493A>G (p.Asp1498Gly)

Gene: SAMD9L (sterile alpha motif domain containing 9 like; minus strand). Cytogenetic location: 7q21.2.
Variant type: single nucleotide variant.
Coding change: c.4493A>G on transcript NM_152703.5 (MANE Select); coding-DNA position 4493, A replaced by G.
Protein change: p.Asp1498Gly; replaces aspartic acid 1498 with glycine.
Molecular consequence: missense variant.
Genome position (GRCh38, 1-based): chr7:93,131,479, T>C on the plus strand (A>G on the coding strand, the complement: SAMD9L is on the minus strand). VCF-style: chr7-93131479-T-C. GRCh37 (hg19) VCF-style: chr7-92760792-T-C.
Other names: c.4493A>G, p.Asp1498Gly (NM_001303496.3, NM_001303497.3, NM_001303498.3 and 5 more transcripts); short protein forms D1498G.
Identifiers: ClinVar variation 1715759 (VCV001715759.5), dbSNP rs2535402275, ClinGen allele CA368171320.
Genomic context (GRCh38, chr7:93,131,479, plus strand): 5'-ACTTCATTTTTTTTCCACACATCCCCACTGTGCCAGAGGGAATTTGTATTTTGTGCTTTA[T>C]CAAAGTACTGCTCTATTTTGGCCTTGTGAACAATACTGTTTAGACCCTTCCTTTTGCCCA-3'
Protein context (NP_689916.2, residues 1488-1508): VHKAKIEQYF[Asp1498Gly]KAQNTNSLWH